The following is an entry in ClinVar:

ClinVar aggregate classification (germline): Uncertain significance. Review status: criteria provided, multiple submitters, no conflicts (2 of 4 stars). 5 submissions from 4 submitters: Uncertain significance (5). Last evaluated 2022-08-16.

Conditions:
Achromatopsia. Also called: Rod monochromatism. Identifiers: Orphanet 49382, MedGen C0152200, MONDO:0018852, HP:0011516.
Cone dystrophy 4 (COD4). Identifiers: Orphanet 49382, MedGen C2751308, MONDO:0013129, OMIM 613093.

Allele frequency attached by ClinVar (database versions not stated): gnomAD 0.00001; TOPMed 0.00001; ExAC 0.00002; gnomAD exomes 0.00003.
gnomAD v4.1: 18 of 1,611,344 alleles (0.0011%); highest among the groups gnomAD compares: Non-Finnish European, 0.00017%; no homozygotes.

Submissions (5):

Labcorp Genetics (formerly Invitae), Labcorp
Classification: Uncertain significance. Last evaluated: 2022-08-16. Review status: criteria provided, single submitter. Criteria: Invitae Variant Classification Sherloc (09022015). Collection method: clinical testing. Allele origin: germline.
Comment: This sequence change replaces threonine, which is neutral and polar, with serine, which is neutral and polar, at codon 436 of the PDE6C protein (p.Thr436Ser). This variant is present in population databases (rs762249684, gnomAD 0.07%). This missense change has been observed in individual(s) with PDE6C-related conditions (PMID: 33001157). ClinVar contains an entry for this variant (Variation ID: 878481). Algorithms developed to predict the effect of missense changes on protein structure and function (SIFT, PolyPhen-2, Align-GVGD) all suggest that this variant is likely to be tolerated. Algorithms developed to predict the effect of sequence changes on RNA splicing suggest that this variant may disrupt the consensus splice site. In summary, the available evidence is currently insufficient to determine the role of this variant in disease. Therefore, it has been classified as a Variant of Uncertain Significance.

Blueprint Genetics
Classification: Uncertain significance. Last evaluated: 2021-10-21. Review status: criteria provided, single submitter. Criteria: ACMG Guidelines, 2015. Collection method: clinical testing. Allele origin: germline.

Department of Pathology and Laboratory Medicine, Sinai Health System
Classification: Uncertain significance for Cone dystrophy 4. Last evaluated: 2021-10-07. Review status: criteria provided, single submitter. Criteria: ACMG Guidelines, 2015. Collection method: research. Allele origin: germline.

Illumina Laboratory Services, Illumina
Classification: Uncertain significance for Achromatopsia. Last evaluated: 2018-01-13. Review status: criteria provided, single submitter. Criteria: ICSL Variant Classification Criteria 13 December 2019. Collection method: clinical testing. Allele origin: germline.

Illumina Laboratory Services, Illumina
Classification: Uncertain significance for Cone dystrophy 4. Last evaluated: 2018-01-13. Review status: criteria provided, single submitter. Criteria: ICSL Variant Classification Criteria 13 December 2019. Collection method: clinical testing. Allele origin: germline.

Literature cited by the submitters: PubMed 33001157 (cited by Labcorp Genetics (formerly Invitae), Labcorp).

NM_006204.4(PDE6C):c.1307C>G (p.Thr436Ser)

Gene: PDE6C (phosphodiesterase 6C; plus strand). Cytogenetic location: 10q23.33.
Variant type: single nucleotide variant.
Coding change: c.1307C>G on transcript NM_006204.4 (MANE Select); coding-DNA position 1307, C replaced by G.
Protein change: p.Thr436Ser; replaces threonine 436 with serine.
Molecular consequence: missense variant.
Genome position (GRCh38, 1-based): chr10:93,635,534, C>G. VCF-style: chr10-93635534-C-G. GRCh37 (hg19) VCF-style: chr10-95395291-C-G.
Other names: short protein forms T436S.
Identifiers: ClinVar variation 878481 (VCV000878481.7), dbSNP rs762249684, ClinGen allele CA5610145.